The following is an entry in ClinVar:

ClinVar aggregate classification (germline): Likely benign. Review status: criteria provided, multiple submitters, no conflicts (2 of 4 stars). 3 submissions from 3 submitters: Likely benign (3). Last evaluated 2024-11-26.

Conditions:
Familial cancer of breast. Also called: hereditary breast carcinoma; Hereditary breast cancer; BREAST CANCER, FAMILIAL. Identifiers: Orphanet 227535, MedGen C0346153, MONDO:0016419, OMIM 114480. Disease mechanism: loss of function.
Hereditary cancer-predisposing syndrome. Also called: Neoplastic Syndromes, Hereditary; Hereditary neoplastic syndrome; Hereditary Cancer Syndrome; Tumor predisposition. Identifiers: Orphanet 140162, MedGen C0027672, MeSH D009386, MONDO:0015356.
Fanconi anemia complementation group J. Also called: BRIP1-Related Fanconi Anemia. Identifiers: Orphanet 84, MedGen C1836860, MONDO:0012187, OMIM 609054.

Submissions (3):

Labcorp Genetics (formerly Invitae), Labcorp
Classification: Likely benign for Familial cancer of breast; Fanconi anemia complementation group J. Last evaluated: 2024-11-26. Review status: criteria provided, single submitter. Criteria: Invitae Variant Classification Sherloc (09022015). Collection method: clinical testing. Allele origin: germline.

Myriad Genetics, Inc.
Classification: Likely benign for Familial cancer of breast. Last evaluated: 2024-08-09. Review status: criteria provided, single submitter. Criteria: Myriad Autosomal Dominant, Autosomal Recessive and X-Linked Classification Criteria (2023). Collection method: clinical testing. Allele origin: unknown.
Comment: This variant is considered likely benign. This variant is intronic and is not expected to impact mRNA splicing.

Ambry Genetics
Classification: Likely benign for Hereditary cancer-predisposing syndrome. Last evaluated: 2022-01-11. Review status: criteria provided, single submitter. Criteria: Ambry Variant Classification Scheme 2023. Collection method: clinical testing. Allele origin: germline.

NM_032043.3(BRIP1):c.94-4A>T

Gene: BRIP1 (BRCA1 interacting DNA helicase 1; minus strand). Cytogenetic location: 17q23.2.
Variant type: single nucleotide variant.
Coding change: c.94-4A>T on transcript NM_032043.3 (MANE Select); 4 bases into the intron before coding-DNA position 94, A replaced by T.
Molecular consequence: intron variant.
Genome position (GRCh38, 1-based): chr17:61,859,911, T>A on the plus strand (A>T on the coding strand, the complement: BRIP1 is on the minus strand). VCF-style: chr17-61859911-T-A. GRCh37 (hg19) VCF-style: chr17-59937272-T-A.
Identifiers: ClinVar variation 1104672 (VCV001104672.13), dbSNP rs765154059, ClinGen allele CA292281365.